The following is an entry in ClinVar:

ClinVar aggregate classification (germline): Likely pathogenic. Review status: criteria provided, multiple submitters, no conflicts (2 of 4 stars). 3 submissions from 3 submitters: Likely pathogenic (3). Last evaluated 2025-06-03.

Conditions:
PKHD1-related disorder. Also called: PKHD1-related condition.
Autosomal recessive polycystic kidney disease (ARPKD). Also called: AR polycystic kidney disease. Identifiers: Orphanet 731, Orphanet 8378, MedGen C0085548, MeSH D017044, MONDO:0009889.

gnomAD v4.1: 2 of 1,609,318 alleles (0.00012%); highest among the groups gnomAD compares: South Asian, 0.0011%; no homozygotes.

Submissions (3):

PreventionGenetics, part of Exact Sciences
Classification: Likely pathogenic for PKHD1-related condition. Last evaluated: 2025-06-03. Review status: criteria provided, single submitter. Criteria: ACMG Guidelines, 2015. Collection method: clinical testing. Allele origin: germline.
Comment: The PKHD1 c.2592+1G>T variant is predicted to disrupt the GT donor site and interfere with normal splicing. To our knowledge, this variant has not been reported in the literature or a large population database (gnomAD), indicating this variant is rare. Variants that disrupt the consensus splice donor site in PKHD1 are expected to be pathogenic. This variant is interpreted as likely pathogenic.

Natera, Inc.
Classification: Likely pathogenic for Autosomal recessive polycystic kidney disease. Last evaluated: 2025-05-27. Review status: criteria provided, single submitter. Criteria: Natera Variant Classification Schema (03/2026). Collection method: clinical testing. Allele origin: germline.
Comment: The c.2592+1G>T variant in PKHD1 is a canonical splice donor site variant predicted to affect pre-mRNA splicing, which may result in an abnormal transcript and altered protein product. This variant is expected to result in nonsense mediated decay, truncation, or a dysfunctional protein product. This variant is rare in the general population with a frequency below the threshold expected for the associated phenotype(s). Given the available evidence, this variant is classified as Likely Pathogenic.

Labcorp Genetics (formerly Invitae), Labcorp
Classification: Likely pathogenic for Autosomal recessive polycystic kidney disease. Last evaluated: 2022-05-27. Review status: criteria provided, single submitter. Criteria: Invitae Variant Classification Sherloc (09022015). Collection method: clinical testing. Allele origin: germline.
Comment: This sequence change affects a donor splice site in intron 24 of the PKHD1 gene. It is expected to disrupt RNA splicing. Variants that disrupt the donor or acceptor splice site typically lead to a loss of protein function (PMID: 16199547), and loss-of-function variants in PKHD1 are known to be pathogenic (PMID: 19940839). This variant is not present in population databases (gnomAD no frequency). This variant has not been reported in the literature in individuals affected with PKHD1-related conditions. Algorithms developed to predict the effect of sequence changes on RNA splicing suggest that this variant may disrupt the consensus splice site. In summary, the currently available evidence indicates that the variant is pathogenic, but additional data are needed to prove that conclusively. Therefore, this variant has been classified as Likely Pathogenic.

Literature cited by the submitters: PubMed 16199547 (cited by Labcorp Genetics (formerly Invitae), Labcorp); PubMed 19940839 (cited by Labcorp Genetics (formerly Invitae), Labcorp).

NM_138694.4(PKHD1):c.2592+1G>T

Gene: PKHD1 (PKHD1 ciliary IPT domain containing fibrocystin/polyductin; minus strand). Cytogenetic location: 6p12.2.
Variant type: single nucleotide variant.
Coding change: c.2592+1G>T on transcript NM_138694.4 (MANE Select); the canonical splice donor site of the intron after coding-DNA position 2592, G replaced by T.
Molecular consequence: splice donor variant.
Genome position (GRCh38, 1-based): chr6:52,046,003, C>A on the plus strand (G>T on the coding strand, the complement: PKHD1 is on the minus strand). VCF-style: chr6-52046003-C-A. GRCh37 (hg19) VCF-style: chr6-51910801-C-A.
Other names: c.2592+1G>T (NM_138694.3, NM_170724.3).
Identifiers: ClinVar variation 1995847 (VCV001995847.7), dbSNP rs758812102, ClinGen allele CA364443009.